The following is an entry in ClinVar:

ClinVar aggregate classification (germline): Uncertain significance (1 of 4 stars; one submission).

Conditions:
Ataxia-telangiectasia syndrome (AT). Also called: ATAXIA-TELANGIECTASIA, COMPLEMENTATION GROUP A; ATAXIA-TELANGIECTASIA, FRESNO VARIANT; Ataxia-telangiectasia, complementation group D; AT, COMPLEMENTATION GROUP C; Cerebello-oculocutaneous telangiectasia; Immunodeficiency with ataxia telangiectasia. Identifiers: Orphanet 100, MedGen C0004135, MONDO:0008840, OMIM 208900.

Submission:

Labcorp Genetics (formerly Invitae), Labcorp
Classification: Uncertain significance for Ataxia-telangiectasia syndrome. Last evaluated: 2020-06-03. Review status: criteria provided, single submitter. Criteria: Invitae Variant Classification Sherloc (09022015). Collection method: clinical testing. Allele origin: germline.
Comment: Algorithms developed to predict the effect of missense changes on protein structure and function output the following: SIFT: "Tolerated"; PolyPhen-2: "Benign"; Align-GVGD: "Class C0". The leucine amino acid residue is found in multiple mammalian species, suggesting that this missense change does not adversely affect protein function. These predictions have not been confirmed by published functional studies and their clinical significance is uncertain. In summary, the available evidence is currently insufficient to determine the role of this variant in disease. Therefore, it has been classified as a Variant of Uncertain Significance. This variant has not been reported in the literature in individuals with ATM-related conditions. This variant is not present in population databases (ExAC no frequency). This sequence change replaces methionine with leucine at codon 1916 of the ATM protein (p.Met1916Leu). The methionine residue is weakly conserved and there is a small physicochemical difference between methionine and leucine.

NM_000051.4(ATM):c.5746A>T (p.Met1916Leu)

Gene: ATM (ATM serine/threonine kinase; plus strand). Cytogenetic location: 11q22.3.
Variant type: single nucleotide variant.
Coding change: c.5746A>T on transcript NM_000051.4 (MANE Select); coding-DNA position 5746, A replaced by T.
Protein change: p.Met1916Leu; replaces methionine 1916 with leucine.
Molecular consequence: missense variant.
Genome position (GRCh38, 1-based): chr11:108,307,968, A>T. VCF-style: chr11-108307968-A-T. GRCh37 (hg19) VCF-style: chr11-108178695-A-T.
Other names: c.5746A>T, p.Met1916Leu (NM_001351834.2); short protein forms M1916L.
Identifiers: ClinVar variation 1047409 (VCV001047409.8), dbSNP rs910274159, ClinGen allele CA382547991.